The following is an entry in ClinVar:

NM_020964.3(EPG5):c.5109+6G>T

Gene: EPG5 (ectopic P-granules 5 autophagy tethering factor; minus strand). Cytogenetic location: 18q12.3.
Variant type: single nucleotide variant.
Coding change: c.5109+6G>T on transcript NM_020964.3 (MANE Select); 6 bases into the intron after coding-DNA position 5109, G replaced by T.
Molecular consequence: intron variant.
Genome position (GRCh38, 1-based): chr18:45,887,745, C>A on the plus strand (G>T on the coding strand, the complement: EPG5 is on the minus strand). VCF-style: chr18-45887745-C-A. GRCh37 (hg19) VCF-style: chr18-43467710-C-A.
Identifiers: ClinVar variation 1505355 (VCV001505355.4), dbSNP rs767652682, ClinGen allele CA8948676.
Genomic context (GRCh38, chr18:45,887,745, plus strand): 5'-TCCAAAGAAGACAGACACCGCAGAGACTCATTATCTGATCAAGGCAAAAGGTACAGATAG[C>A]CTTACCTGTCCCAAGATCTCAATACATGAAGTAAAGAACTGCCTTGTTGGGGGATGACGC-3'

ClinVar aggregate classification (germline): Uncertain significance (1 of 4 stars; one submission).

Conditions:
Vici syndrome (VICIS). Identifiers: Orphanet 1493, MedGen C1855772, MONDO:0009452, OMIM 242840.

Allele frequency attached by ClinVar (database versions not stated): gnomAD 0.00002; TOPMed 0.00002.
gnomAD v4.1: 23 of 1,551,420 alleles (0.0015%); highest among the groups gnomAD compares: Non-Finnish European, 0.0017%; no homozygotes.

Submission:

Labcorp Genetics (formerly Invitae), Labcorp
Classification: Uncertain significance for Vici syndrome. Last evaluated: 2022-02-05. Review status: criteria provided, single submitter. Criteria: Invitae Variant Classification Sherloc (09022015). Collection method: clinical testing. Allele origin: germline.
Comment: This sequence change falls in intron 29 of the EPG5 gene. It does not directly change the encoded amino acid sequence of the EPG5 protein. It affects a nucleotide within the consensus splice site. This variant is present in population databases (rs767652682, gnomAD 0.004%). This variant has not been reported in the literature in individuals affected with EPG5-related conditions. Variants that disrupt the consensus splice site are a relatively common cause of aberrant splicing (PMID: 17576681, 9536098). Algorithms developed to predict the effect of sequence changes on RNA splicing suggest that this variant is not likely to affect RNA splicing. In summary, the available evidence is currently insufficient to determine the role of this variant in disease. Therefore, it has been classified as a Variant of Uncertain Significance.

Literature cited by the submitters: PubMed 17576681; PubMed 9536098.